The following is an entry in ClinVar:

ClinVar aggregate classification (germline): Likely benign. Review status: criteria provided, multiple submitters, no conflicts (2 of 4 stars). 3 submissions from 3 submitters: Likely benign (3). Last evaluated 2025-10-23.

Conditions:
HDAC6-related disorder. Also called: HDAC6-related condition.

Allele frequency attached by ClinVar (database versions not stated): gnomAD exomes 0.00007 and 0.00023; ExAC 0.00036; TOPMed 0.00087; gnomAD 0.00088; ESP Exome Variant Server 0.00104; 1000 Genomes Project 0.00106; 1000 Genomes Project 30x 0.00125.
gnomAD v4.1: 170 of 1,209,252 alleles (0.014%); highest among the groups gnomAD compares: African/African-American, 0.26%; no homozygotes.

Submissions (3):

PreventionGenetics, part of Exact Sciences
Classification: Likely benign for HDAC6-related condition. Last evaluated: 2025-10-23. Review status: criteria provided, single submitter. Criteria: ACMG Guidelines, 2015. Collection method: clinical testing. Allele origin: germline.
Comment: This variant is classified as likely benign based on ACMG/AMP sequence variant interpretation guidelines (Richards et al. 2015 PMID: 25741868, with internal and published modifications).

CeGaT Center for Human Genetics Tuebingen
Classification: Likely benign. Last evaluated: 2022-11-01. Review status: criteria provided, single submitter. Criteria: CeGaT Center For Human Genetics Tuebingen Variant Classification Criteria Version 2. Collection method: clinical testing. Allele origin: germline. Affected: yes. Observed: 1 variant allele.
Comment: HDAC6: BP4, BS2

Labcorp Genetics (formerly Invitae), Labcorp
Classification: Likely benign. Last evaluated: 2018-07-13. Review status: criteria provided, single submitter. Criteria: Invitae Variant Classification Sherloc (09022015). Collection method: clinical testing. Allele origin: germline.

NM_006044.4(HDAC6):c.1059+6G>C

Gene: HDAC6 (histone deacetylase 6; plus strand). Cytogenetic location: Xp11.23.
Variant type: single nucleotide variant.
Coding change: c.1059+6G>C on transcript NM_006044.4 (MANE Select); 6 bases into the intron after coding-DNA position 1059, G replaced by C.
Molecular consequence: intron variant.
Genome position (GRCh38, 1-based): chrX:48,814,899, G>C. VCF-style: chrX-48814899-G-C. GRCh37 (hg19) VCF-style: chrX-48673306-G-C.
Other names: c.1101+6G>C (NM_001321225.2); c.1059+6G>C (NM_001321229.1, NM_001321226.2, NM_001321227.2 and 1 more transcripts).
Identifiers: ClinVar variation 760228 (VCV000760228.28), dbSNP rs377605184, ClinGen allele CA10404978.